The following is an entry in ClinVar:

NM_001378183.1(PIEZO2):c.5750C>T (p.Ala1917Val)

Gene: PIEZO2 (piezo type mechanosensitive ion channel component 2; minus strand). Cytogenetic location: 18p11.22.
Variant type: single nucleotide variant.
Coding change: c.5750C>T on transcript NM_001378183.1 (MANE Select); coding-DNA position 5750, C replaced by T.
Protein change: p.Ala1917Val; replaces alanine 1917 with valine.
Molecular consequence: missense variant.
Genome position (GRCh38, 1-based): chr18:10,705,585, G>A on the plus strand (C>T on the coding strand, the complement: PIEZO2 is on the minus strand). VCF-style: chr18-10705585-G-A. GRCh37 (hg19) VCF-style: chr18-10705583-G-A.
Other names: c.5411C>T (NM_022068.2); c.5486C>T, p.Ala1829Val (NM_001410871.1); c.5411C>T, p.Ala1804Val (NM_022068.4); short protein forms A1804V, A1917V, A1829V.
Identifiers: ClinVar variation 3712331 (VCV003712331.3).

ClinVar aggregate classification (germline): Uncertain significance. Review status: criteria provided, multiple submitters, no conflicts (2 of 4 stars). 2 submissions from 2 submitters: Uncertain significance (2). Last evaluated 2025-06-06.

Conditions:
Inborn genetic diseases. Identifiers: MedGen C0950123, MeSH D030342.

gnomAD v4.1: 6 of 1,537,066 alleles (0.00039%); highest among the groups gnomAD compares: East Asian, 0.0024%; no homozygotes.

Submissions (2):

Labcorp Genetics (formerly Invitae), Labcorp
Classification: Uncertain significance. Last evaluated: 2025-06-06. Review status: criteria provided, single submitter. Criteria: Invitae Variant Classification Sherloc (09022015). Collection method: clinical testing. Allele origin: germline.
Comment: This sequence change replaces alanine, which is neutral and non-polar, with valine, which is neutral and non-polar, at codon 1804 of the PIEZO2 protein (p.Ala1804Val). This variant is not present in population databases (gnomAD no frequency). This variant has not been reported in the literature in individuals affected with PIEZO2-related conditions. ClinVar contains an entry for this variant (Variation ID: 3712331). Invitae Evidence Modeling of protein sequence and biophysical properties (such as structural, functional, and spatial information, amino acid conservation, physicochemical variation, residue mobility, and thermodynamic stability) indicates that this missense variant is not expected to disrupt PIEZO2 protein function with a negative predictive value of 80%. In summary, the available evidence is currently insufficient to determine the role of this variant in disease. Therefore, it has been classified as a Variant of Uncertain Significance.

Ambry Genetics
Classification: Uncertain significance for Inborn genetic diseases. Last evaluated: 2025-04-12. Review status: criteria provided, single submitter. Criteria: Ambry Variant Classification Scheme 2023. Collection method: clinical testing. Allele origin: germline.